The following is an entry in ClinVar:

NM_020693.4(DSCAML1):c.-81G>C

Gene: DSCAML1 (DS cell adhesion molecule like 1; minus strand). Cytogenetic location: 11q23.3.
Variant type: single nucleotide variant.
Coding change: c.-81G>C on transcript NM_020693.4 (MANE Select); 81 bases upstream of the start codon, G replaced by C.
Molecular consequence: 5 prime UTR variant. On other transcripts: intron variant (1).
Genome position (GRCh38, 1-based): chr11:117,797,160, C>G on the plus strand (G>C on the coding strand, the complement: DSCAML1 is on the minus strand). VCF-style: chr11-117797160-C-G. GRCh37 (hg19) VCF-style: chr11-117667875-C-G.
Other names: c.-81G>C (NM_001367904.1); c.-362-16350G>C (NM_001367905.1).
Identifiers: ClinVar variation 4776171 (VCV004776171.1).

ClinVar aggregate classification (germline): Uncertain significance (1 of 4 stars; one submission).

Submission:

Labcorp Genetics (formerly Invitae), Labcorp
Classification: Uncertain significance. Last evaluated: 2025-12-02. Review status: criteria provided, single submitter. Criteria: Invitae Variant Classification Sherloc (09022015). Collection method: clinical testing. Allele origin: germline.
Comment: This sequence change replaces glutamic acid, which is acidic and polar, with glutamine, which is neutral and polar, at codon 34 of the DSCAML1 protein (p.Glu34Gln). This variant is not present in population databases (gnomAD no frequency). This variant has not been reported in the literature in individuals affected with DSCAML1-related conditions. Experimental studies and prediction algorithms are not available or were not evaluated, and the functional significance of this variant is currently unknown. In summary, the available evidence is currently insufficient to determine the role of this variant in disease. Therefore, it has been classified as a Variant of Uncertain Significance.